The following is an entry in ClinVar:

NM_020207.7(ERCC6L2):c.1195_1198del (p.Val399fs)

Gene: ERCC6L2 (ERCC excision repair 6 like 2; plus strand). Cytogenetic location: 9q22.32.
Variant type: Deletion.
Coding change: c.1195_1198del on transcript NM_020207.7 (MANE Select); coding-DNA positions 1195 to 1198, 4 bases deleted (GTCT; older notation c.1195_1198delGTCT).
Protein change: p.Val399fs; shifts the reading frame from valine 399.
Molecular consequence: frameshift variant. On other transcripts: non-coding transcript variant (1).
Genome position (GRCh38, 1-based): chr9:95,921,211-95,921,214, GTCT deleted; deleting any 4 consecutive bases within chr9:95,921,209-95,921,214 gives the same sequence; the c. name uses the placement nearest the transcript's 3' end. VCF-style (leftmost placement, unchanged base first): chr9-95921208-GCTGT-G. GRCh37 (hg19) VCF-style: chr9-98683490-GCTGT-G.
Other names: c.1195_1198del, p.Val399fs (NM_001010895.4, NM_001375291.1, NM_001375292.1 and 2 more transcripts); short protein forms V399fs.
Identifiers: ClinVar variation 4698242 (VCV004698242.1).

ClinVar aggregate classification (germline): Pathogenic (1 of 4 stars; one submission).

Submission:

Labcorp Genetics (formerly Invitae), Labcorp
Classification: Pathogenic. Last evaluated: 2025-08-12. Review status: criteria provided, single submitter. Criteria: Invitae Variant Classification Sherloc (09022015). Collection method: clinical testing. Allele origin: germline.
Comment: This sequence change creates a premature translational stop signal (p.Val410Ilefs*5) in the ERCC6L2 gene. It is expected to result in an absent or disrupted protein product. Loss-of-function variants in ERCC6L2 are known to be pathogenic (PMID: 24507776, 27185855, 29146883, 29987015). This variant is not present in population databases (gnomAD no frequency). This variant has not been reported in the literature in individuals affected with ERCC6L2-related conditions. For these reasons, this variant has been classified as Pathogenic.

Literature cited by the submitters: PubMed 24507776; PubMed 27185855; PubMed 29146883; PubMed 29987015.